The following is an entry in ClinVar:

ClinVar aggregate classification (germline): Pathogenic (1 of 4 stars; one submission).

Conditions:
Osteogenesis imperfecta type I (OI1). Also called: OI, TYPE I; OSTEOGENESIS IMPERFECTA TARDA; OSTEOGENESIS IMPERFECTA WITH BLUE SCLERAE; Osteogenesis imperfecta type 1; Lobstein's Disease; Lobstein disease. Identifiers: Orphanet 216796, Orphanet 666, MedGen C0023931, MONDO:0008146, OMIM 166200. Disease mechanism: loss of function.

Submissions (2):

Labcorp Genetics (formerly Invitae), Labcorp
Classification: Pathogenic for Osteogenesis imperfecta type I. Last evaluated: 2025-05-02. Review status: criteria provided, single submitter. Criteria: Invitae Variant Classification Sherloc (09022015). Collection method: clinical testing. Allele origin: germline.
Comment: This sequence change affects an acceptor splice site in intron 7 of the COL1A1 gene. It is expected to disrupt RNA splicing. Variants that disrupt the donor or acceptor splice site typically lead to a loss of protein function (PMID: 16199547), and loss-of-function variants in COL1A1 are known to be pathogenic (PMID: 7942841, 9295084, 9443882). This variant is not present in population databases (gnomAD no frequency). Disruption of this splice site has been observed in individual(s) with osteogenesis imperfecta type I (PMID: 25963598). Algorithms developed to predict the effect of sequence changes on RNA splicing suggest that this variant may disrupt the consensus splice site. For these reasons, this variant has been classified as Pathogenic.

Dr. Peter K. Rogan Lab, Western University
No classification provided (evidence only). Condition: Thyroid cancer, nonmedullary, 1. Review status: no classification provided. Collection method: in vitro. Allele origin: not applicable. Functional consequence: cryptic splice site, retained intron. Not counted in ClinVar's aggregate classification.

Literature cited by the submitters: PubMed 16199547 (cited by Labcorp Genetics (formerly Invitae), Labcorp); PubMed 7942841 (cited by Labcorp Genetics (formerly Invitae), Labcorp); PubMed 9295084 (cited by Labcorp Genetics (formerly Invitae), Labcorp); PubMed 9443882 (cited by Labcorp Genetics (formerly Invitae), Labcorp); PubMed 25963598 (cited by Labcorp Genetics (formerly Invitae), Labcorp).

NM_000088.4(COL1A1):c.589-1G>T

Gene: COL1A1 (collagen type I alpha 1 chain; minus strand). Cytogenetic location: 17q21.33.
Variant type: single nucleotide variant.
Coding change: c.589-1G>T on transcript NM_000088.4 (MANE Select); the canonical splice acceptor site of the intron before coding-DNA position 589, G replaced by T.
Molecular consequence: splice acceptor variant.
Genome position (GRCh38, 1-based): chr17:50,198,003, C>A on the plus strand (G>T on the coding strand, the complement: COL1A1 is on the minus strand). VCF-style: chr17-50198003-C-A. GRCh37 (hg19) VCF-style: chr17-48275364-C-A.
Other names: NC_000017.10:g.48275364C>A.
Identifiers: ClinVar variation 4423868 (VCV004423868.2).